The following is an entry in ClinVar:

NM_001040142.2(SCN2A):c.589A>C (p.Thr197Pro)

Gene: SCN2A (sodium voltage-gated channel alpha subunit 2; plus strand). Cytogenetic location: 2q24.3.
Variant type: single nucleotide variant.
Coding change: c.589A>C on transcript NM_001040142.2 (MANE Select); coding-DNA position 589, A replaced by C.
Protein change: p.Thr197Pro; replaces threonine 197 with proline.
Molecular consequence: missense variant.
Genome position (GRCh38, 1-based): chr2:165,308,778, A>C. VCF-style: chr2-165308778-A-C. GRCh37 (hg19) VCF-style: chr2-166165288-A-C.
Other names: c.589A>C, p.Thr197Pro (NM_001040143.2, NM_001371246.1, NM_001371247.1 and 1 more transcripts); short protein forms T197P.
Identifiers: ClinVar variation 1485907 (VCV001485907.8), dbSNP rs1311569054, ClinGen allele CA349016740.

ClinVar aggregate classification (germline): Uncertain significance (1 of 4 stars; one submission).

Conditions:
Developmental and epileptic encephalopathy, 11 (DEE11). Also called: Early infantile epileptic encephalopathy 11. Identifiers: Orphanet 1934, MedGen C3150987, MONDO:0013388, OMIM 613721.
Seizures, benign familial infantile, 3 (BFIS3). Also called: CONVULSIONS, BENIGN FAMILIAL INFANTILE, 3; Familial neonatal seizures. Identifiers: Orphanet 140927, Orphanet 306, MedGen C1843140, MONDO:0011904, OMIM 607745.

Submission:

Labcorp Genetics (formerly Invitae), Labcorp
Classification: Uncertain significance for Seizures, benign familial infantile, 3; Developmental and epileptic encephalopathy, 11. Last evaluated: 2021-03-08. Review status: criteria provided, single submitter. Criteria: Invitae Variant Classification Sherloc (09022015). Collection method: clinical testing. Allele origin: germline.
Comment: In summary, the available evidence is currently insufficient to determine the role of this variant in disease. Therefore, it has been classified as a Variant of Uncertain Significance. Algorithms developed to predict the effect of missense changes on protein structure and function are either unavailable or do not agree on the potential impact of this missense change (SIFT: "Deleterious"; PolyPhen-2: "Benign"; Align-GVGD: "Class C0"). This variant has not been reported in the literature in individuals with SCN2A-related conditions. This variant is not present in population databases (ExAC no frequency). This sequence change replaces threonine with proline at codon 197 of the SCN2A protein (p.Thr197Pro). The threonine residue is highly conserved and there is a small physicochemical difference between threonine and proline.